The following is an entry in ClinVar:

NM_000257.4(MYH7):c.1384A>T (p.Ile462Phe)

Gene: MYH7 (myosin heavy chain 7; minus strand). Cytogenetic location: 14q11.2.
Variant type: single nucleotide variant.
Coding change: c.1384A>T on transcript NM_000257.4 (MANE Select); coding-DNA position 1384, A replaced by T.
Protein change: p.Ile462Phe; replaces isoleucine 462 with phenylalanine.
Molecular consequence: missense variant.
Genome position (GRCh38, 1-based): chr14:23,428,978, T>A on the plus strand (A>T on the coding strand, the complement: MYH7 is on the minus strand). VCF-style: chr14-23428978-T-A. GRCh37 (hg19) VCF-style: chr14-23898187-T-A.
Other names: short protein forms I462F.
Identifiers: ClinVar variation 42842 (VCV000042842.24), dbSNP rs397516105, ClinGen allele CA010671.

ClinVar aggregate classification (germline): Uncertain significance. Review status: criteria provided, multiple submitters, no conflicts (2 of 4 stars). 10 submissions from 10 submitters: Uncertain significance (8). 2 of the submissions do not count toward it. Last evaluated 2026-01-27.

Conditions:
MYH7-related disorder. Also called: MYH7-related condition; MYH7-related disease; MYH7-related disorders.
Cardiomyopathy (CMYO). Also called: Cardiomyopathies. Identifiers: Orphanet 167848, MedGen C0878544, MONDO:0004994, HP:0001638. Inheritance: Various modes of inheritance.
Hypertrophic cardiomyopathy. Also called: HYPERTROPHIC MYOCARDIOPATHY. Identifiers: Orphanet 217569, MedGen C0007194, MeSH D002312, MONDO:0005045, HP:0001639.

Allele frequency attached by ClinVar (database versions not stated): TOPMed 0.00001; gnomAD 0.00002 and 0.00001; gnomAD exomes 0.00003 and 0.00001.
gnomAD v4.1: 43 of 1,614,094 alleles (0.0027%); highest among the groups gnomAD compares: Non-Finnish European, 0.0035%; no homozygotes.

Submissions (10):

Labcorp Genetics (formerly Invitae), Labcorp
Classification: Uncertain significance for Hypertrophic cardiomyopathy. Last evaluated: 2026-01-27. Review status: criteria provided, single submitter. Criteria: Invitae Variant Classification Sherloc (09022015). Collection method: clinical testing. Allele origin: germline.
Comment: This sequence change replaces isoleucine, which is neutral and non-polar, with phenylalanine, which is neutral and non-polar, at codon 462 of the MYH7 protein (p.Ile462Phe). This variant is present in population databases (rs397516105, gnomAD 0.004%). This missense change has been observed in individual(s) with hypertrophic cardiomyopathy (PMID: 37652022). ClinVar contains an entry for this variant (Variation ID: 42842). Invitae Evidence Modeling of protein sequence and biophysical properties (such as structural, functional, and spatial information, amino acid conservation, physicochemical variation, residue mobility, and thermodynamic stability) indicates that this missense variant is expected to disrupt MYH7 protein function with a positive predictive value of 95%. In summary, the available evidence is currently insufficient to determine the role of this variant in disease. Therefore, it has been classified as a Variant of Uncertain Significance.

PreventionGenetics, part of Exact Sciences
Classification: Uncertain significance for MYH7-related condition. Last evaluated: 2025-12-17. Review status: criteria provided, single submitter. Criteria: ACMG Guidelines, 2015. Collection method: clinical testing. Allele origin: germline.
Comment: The MYH7 c.1384A>T variant is predicted to result in the amino acid substitution p.Ile462Phe. This variant has been reported in one individual with cardiomyopathy (Table S8, McGurk et al. 2023. PubMed ID: 37652022). It has also been reported in two carriers in a genome-first analyses of healthcare-based population (Table S6, Park et al. 2022. PubMed ID: 34542152). This variant is reported in 0.0040% of alleles in individuals of African descent in gnomAD. At this time, the clinical significance of this variant is uncertain due to the absence of conclusive functional and genetic evidence.

All of Us Research Program, National Institutes of Health
Classification: Uncertain significance for Cardiomyopathy. Last evaluated: 2024-05-14. Review status: criteria provided, single submitter. Criteria: ACMG Guidelines, 2015. Collection method: clinical testing. Allele origin: germline. Inheritance: Autosomal dominant inheritance. Observed: 7 variant alleles, 7 heterozygotes.
Comment: This missense variant replaces isoleucine with phenylalanine at codon 462 of the MYH7 protein. Computational prediction suggests that this variant may have a deleterious impact on protein structure and function (internally defined REVEL score threshold >= 0.7, PMID: 27666373). This variant is found within a highly conserved region of the myosin head domain. Missense variants in this region have been shown to be significantly overrepresented in individuals with hypertrophic cardiomyopathy (PMID: 27532257). To our knowledge, functional studies have not been reported for this variant. This variant has not been reported in individuals affected with MYH7-related disorders in the literature. This variant has been identified in 3/282886 chromosomes in the general population by the Genome Aggregation Database (gnomAD). The available evidence is insufficient to determine the role of this variant in disease conclusively. Therefore, this variant is classified as a Variant of Uncertain Significance.

This study involves interpretation of variants in research participants for the purpose of population health screening. Participant phenotype was not available at the time of variant classification. Additional details can be found in publication PMID: 35346344, PMCID: PMC8962531

Mayo Clinic Laboratories, Mayo Clinic
Classification: Uncertain significance. Last evaluated: 2024-05-14. Review status: criteria provided, single submitter. Criteria: ACMG Guidelines, 2015. Collection method: clinical testing. Allele origin: germline. Observed: 1 variant allele.
Comment: PP3, PM1

Color Diagnostics, LLC DBA Color Health
Classification: Uncertain significance for Cardiomyopathy. Last evaluated: 2024-04-22. Review status: criteria provided, single submitter. Criteria: ACMG Guidelines, 2015. Collection method: clinical testing. Allele origin: germline.
Comment: This missense variant replaces isoleucine with phenylalanine at codon 462 of the MYH7 protein. Computational prediction tools indicate that this variant has a deleterious impact on protein structure and function. This variant is found within a highly conserved region of the myosin head domain. Missense variants in this region have been shown to be significantly overrepresented in individuals with hypertrophic cardiomyopathy (PMID: 27532257). To our knowledge, functional studies have not been reported for this variant. This variant has not been reported in individuals affected with MYH7-related disorders in the literature. This variant has been identified in 3/282886 chromosomes in the general population by the Genome Aggregation Database (gnomAD). The available evidence is insufficient to determine the role of this variant in disease conclusively. Therefore, this variant is classified as a Variant of Uncertain Significance.

Blueprint Genetics
Classification: Uncertain significance. Last evaluated: 2023-11-28. Review status: criteria provided, single submitter. Criteria: ACMG Guidelines, 2015. Collection method: clinical testing. Allele origin: germline.

GeneDx
Classification: Uncertain significance. Last evaluated: 2020-06-09. Review status: criteria provided, single submitter. Criteria: GeneDx Variant Classification Process June 2021. Collection method: clinical testing. Allele origin: germline. Affected: yes.
Comment: Not observed at a significant frequency in large population cohorts (Lek et al., 2016); In silico analysis supports that this missense variant has a deleterious effect on protein structure/function; Has not been previously published as pathogenic or benign to our knowledge

Laboratory for Molecular Medicine, Mass General Brigham Personalized Medicine
Classification: Uncertain significance. Last evaluated: 2013-01-23. Review status: criteria provided, single submitter. Criteria: LMM Criteria. Collection method: clinical testing. Allele origin: germline. Observed: 1 variant allele.
Comment: Variant classified as Uncertain Significance - Favor Pathogenic. The Ile462Phe v ariant in MYH7 has not been reported in the literature nor previously identified by our laboratory. This variant has also not been identified in large and broad European American and African American populations by the NHLBI Exome Sequencin g Project, which increases the likelihood tha t the variant is pathogenic. However, we cannot exclude that it may be common in other populations. Isoleucine (Ile) at position 462 is highly conserved in mamm als and across evolutionarily distant species and the change to phenylalanine (P he) was predicted to be pathogenic using a computational tool clinically validat ed by our laboratory. This tool's pathogenic prediction is estimated to be corre ct 94% of the time (Jordan 2011). In addition, the vast majority of missense var iants in MYH7 are pathogenic (LMM unpublished data). In summary, although the lo w frequency and computational predictions all suggests that this variant is like ly to be pathogenic, additional studies are needed to fully assess the clinical significance of this variant.

Genome Diagnostics Laboratory, University Medical Center Utrecht
Classification: Uncertain significance. Review status: no assertion criteria provided. Collection method: clinical testing. Allele origin: germline. Affected: yes. Study: VKGL Data-share Consensus. Not counted in ClinVar's aggregate classification.

Joint Genome Diagnostic Labs from Nijmegen and Maastricht, Radboudumc and MUMC+
Classification: Uncertain significance. Review status: no assertion criteria provided. Collection method: clinical testing. Allele origin: germline. Affected: yes. Study: VKGL Data-share Consensus. Not counted in ClinVar's aggregate classification.

Literature cited by the submitters: PubMed 37652022 (cited by Labcorp Genetics (formerly Invitae), Labcorp and Mayo Clinic Laboratories, Mayo Clinic); PubMed 27532257 (cited by All of Us Research Program, National Institutes of Health and Color Diagnostics, LLC DBA Color Health); PubMed 34542152 (cited by Mayo Clinic Laboratories, Mayo Clinic).